The following is an entry in ClinVar:

ClinVar aggregate classification (germline): Likely benign. Review status: criteria provided, single submitter (1 of 4 stars). 2 submissions from 2 submitters: Likely benign (1). 1 of the submissions does not count toward it. Last evaluated 2021-02-04.

Conditions:
PKD1-related disorder. Also called: PKD1-related condition.

Allele frequency attached by ClinVar (database versions not stated): TOPMed 0.00002; ExAC 0.00003; gnomAD 0.00003; gnomAD exomes 0.00003.

Submissions (2):

Blueprint Genetics
Classification: Likely benign. Last evaluated: 2021-02-04. Review status: criteria provided, single submitter. Criteria: ACMG Guidelines, 2015. Collection method: clinical testing. Allele origin: germline.

PreventionGenetics, part of Exact Sciences
Classification: Likely benign for PKD1-related condition. Last evaluated: 2023-10-17. Review status: no assertion criteria provided. Collection method: clinical testing. Allele origin: germline. Not counted in ClinVar's aggregate classification.
Comment: This variant is classified as likely benign based on ACMG/AMP sequence variant interpretation guidelines (Richards et al. 2015 PMID: 25741868, with internal and published modifications).

NM_001009944.3(PKD1):c.5115C>T (p.Ser1705=)

Gene: PKD1 (polycystin 1, transient receptor potential channel interacting; minus strand). Cytogenetic location: 16p13.3.
Variant type: single nucleotide variant.
Coding change: c.5115C>T on transcript NM_001009944.3 (MANE Select); coding-DNA position 5115, C replaced by T.
Protein change: p.Ser1705=; no amino-acid change (serine 1705 retained).
Molecular consequence: synonymous variant.
Genome position (GRCh38, 1-based): chr16:2,110,052, G>A on the plus strand (C>T on the coding strand, the complement: PKD1 is on the minus strand). VCF-style: chr16-2110052-G-A. GRCh37 (hg19) VCF-style: chr16-2160053-G-A.
Other names: c.5115C>T, p.Ser1705= (NM_000296.4).
Identifiers: ClinVar variation 3032361 (VCV003032361.3), dbSNP rs377168399, ClinGen allele CA7832113.